The following is an entry in ClinVar:

NM_014639.4(SKIC3):c.3881C>G (p.Pro1294Arg)

Gene: SKIC3 (SKI3 subunit of superkiller complex; minus strand). Cytogenetic location: 5q15.
Variant type: single nucleotide variant.
Coding change: c.3881C>G on transcript NM_014639.4 (MANE Select); coding-DNA position 3881, C replaced by G.
Protein change: p.Pro1294Arg; replaces proline 1294 with arginine.
Molecular consequence: missense variant.
Genome position (GRCh38, 1-based): chr5:95,490,958, G>C on the plus strand (C>G on the coding strand, the complement: SKIC3 is on the minus strand). VCF-style: chr5-95490958-G-C. GRCh37 (hg19) VCF-style: chr5-94826662-G-C.
Other names: short protein forms P1294R.
Identifiers: ClinVar variation 1357396 (VCV001357396.8), dbSNP rs2112260042, ClinGen allele CA360447756.

ClinVar aggregate classification (germline): Uncertain significance (1 of 4 stars; one submission).

Submission:

Labcorp Genetics (formerly Invitae), Labcorp
Classification: Uncertain significance. Last evaluated: 2021-05-30. Review status: criteria provided, single submitter. Criteria: Invitae Variant Classification Sherloc (09022015). Collection method: clinical testing. Allele origin: germline.
Comment: This sequence change replaces proline with arginine at codon 1294 of the TTC37 protein (p.Pro1294Arg). The proline residue is moderately conserved and there is a moderate physicochemical difference between proline and arginine. This variant is not present in population databases (ExAC no frequency). This variant has not been reported in the literature in individuals with TTC37-related conditions. Algorithms developed to predict the effect of missense changes on protein structure and function are either unavailable or do not agree on the potential impact of this missense change (SIFT: "Deleterious"; PolyPhen-2: "Probably Damaging"; Align-GVGD: "Class C0"). In summary, the available evidence is currently insufficient to determine the role of this variant in disease. Therefore, it has been classified as a Variant of Uncertain Significance.